The following is an entry in ClinVar:

NM_032656.4(DHX37):c.955G>A (p.Ala319Thr)

Gene: DHX37 (DEAH-box helicase 37; minus strand). Cytogenetic location: 12q24.31.
Variant type: single nucleotide variant.
Coding change: c.955G>A on transcript NM_032656.4 (MANE Select); coding-DNA position 955, G replaced by A.
Protein change: p.Ala319Thr; replaces alanine 319 with threonine.
Molecular consequence: missense variant.
Genome position (GRCh38, 1-based): chr12:124,975,444, C>T on the plus strand (G>A on the coding strand, the complement: DHX37 is on the minus strand). VCF-style: chr12-124975444-C-T. GRCh37 (hg19) VCF-style: chr12-125459990-C-T.
Other names: short protein forms A319T.
Identifiers: ClinVar variation 2892078 (VCV002892078.3), dbSNP rs746977756, ClinGen allele CA6872283.

ClinVar aggregate classification (germline): Uncertain significance (1 of 4 stars; one submission).

Allele frequency attached by ClinVar (database versions not stated): TOPMed 0.00002; gnomAD 0.00005; gnomAD exomes 0.00008; ExAC 0.00014.
gnomAD v4.1: 121 of 1,612,964 alleles (0.0075%); highest among the groups gnomAD compares: East Asian, 0.26%; 1 homozygote.

Submission:

Labcorp Genetics (formerly Invitae), Labcorp
Classification: Uncertain significance. Last evaluated: 2023-03-26. Review status: criteria provided, single submitter. Criteria: Invitae Variant Classification Sherloc (09022015). Collection method: clinical testing. Allele origin: germline.
Comment: In summary, the available evidence is currently insufficient to determine the role of this variant in disease. Therefore, it has been classified as a Variant of Uncertain Significance. This sequence change replaces alanine, which is neutral and non-polar, with threonine, which is neutral and polar, at codon 319 of the DHX37 protein (p.Ala319Thr). This variant is present in population databases (rs746977756, gnomAD 0.2%). This variant has not been reported in the literature in individuals affected with DHX37-related conditions. Advanced modeling of protein sequence and biophysical properties (such as structural, functional, and spatial information, amino acid conservation, physicochemical variation, residue mobility, and thermodynamic stability) performed at Invitae indicates that this missense variant is expected to disrupt DHX37 protein function.